The following is an entry in ClinVar:

ClinVar aggregate classification (germline): Uncertain significance. Review status: criteria provided, multiple submitters, no conflicts (2 of 4 stars). 3 submissions from 3 submitters: Uncertain significance (3). Last evaluated 2024-03-21.

Conditions:
Inborn genetic diseases. Identifiers: MedGen C0950123, MeSH D030342.
MEGF10-related myopathy (CMYO10A). Also called: Congenital myopathy 10A, severe variant. Identifiers: Orphanet 439212, MedGen C3280679, MONDO:0013731, OMIM 614399.

Allele frequency attached by ClinVar (database versions not stated): gnomAD 0.00002; TOPMed 0.00002.
gnomAD v4.1: 9 of 1,613,824 alleles (0.00056%); highest among the groups gnomAD compares: Non-Finnish European, 0.00076%; no homozygotes.

Submissions (3):

Revvity Omics, Revvity
Classification: Uncertain significance. Last evaluated: 2024-03-21. Review status: criteria provided, single submitter. Criteria: ACMG Guidelines, 2015. Collection method: clinical testing. Allele origin: germline.

Ambry Genetics
Classification: Uncertain significance for Inborn genetic diseases. Last evaluated: 2024-02-05. Review status: criteria provided, single submitter. Criteria: Ambry Variant Classification Scheme 2023. Collection method: clinical testing. Allele origin: germline.

Labcorp Genetics (formerly Invitae), Labcorp
Classification: Uncertain significance for MEGF10-related myopathy. Last evaluated: 2022-02-03. Review status: criteria provided, single submitter. Criteria: Invitae Variant Classification Sherloc (09022015). Collection method: clinical testing. Allele origin: germline.
Comment: In summary, the available evidence is currently insufficient to determine the role of this variant in disease. Therefore, it has been classified as a Variant of Uncertain Significance. Algorithms developed to predict the effect of missense changes on protein structure and function are either unavailable or do not agree on the potential impact of this missense change (SIFT: "Deleterious"; PolyPhen-2: "Benign"; Align-GVGD: "Class C65"). ClinVar contains an entry for this variant (Variation ID: 855716). This variant has not been reported in the literature in individuals affected with MEGF10-related conditions. The frequency data for this variant in the population databases is considered unreliable, as metrics indicate poor data quality at this position in the gnomAD database. This sequence change replaces arginine, which is basic and polar, with serine, which is neutral and polar, at codon 272 of the MEGF10 protein (p.Arg272Ser).

NM_001256545.2(MEGF10):c.814C>A (p.Arg272Ser)

Gene: MEGF10 (multiple EGF like domains 10; plus strand). Cytogenetic location: 5q23.2.
Variant type: single nucleotide variant.
Coding change: c.814C>A on transcript NM_001256545.2 (MANE Select); coding-DNA position 814, C replaced by A.
Protein change: p.Arg272Ser; replaces arginine 272 with serine.
Molecular consequence: missense variant.
Genome position (GRCh38, 1-based): chr5:127,402,579, C>A. VCF-style: chr5-127402579-C-A. GRCh37 (hg19) VCF-style: chr5-126738271-C-A.
Other names: c.814C>A, p.Arg272Ser (NM_001308119.2, NM_001308121.2, NM_032446.3); short protein forms R272S.
Identifiers: ClinVar variation 855716 (VCV000855716.12), dbSNP rs748380473, ClinGen allele CA3391413.